The following is an entry in ClinVar:

NM_000094.4(COL7A1):c.6694C>T (p.Pro2232Ser)

Gene: COL7A1 (collagen type VII alpha 1 chain; minus strand). Cytogenetic location: 3p21.31.
Variant type: single nucleotide variant.
Coding change: c.6694C>T on transcript NM_000094.4 (MANE Select); coding-DNA position 6694, C replaced by T.
Protein change: p.Pro2232Ser; replaces proline 2232 with serine.
Molecular consequence: missense variant.
Genome position (GRCh38, 1-based): chr3:48,573,194, G>A on the plus strand (C>T on the coding strand, the complement: COL7A1 is on the minus strand). VCF-style: chr3-48573194-G-A. GRCh37 (hg19) VCF-style: chr3-48610627-G-A.
Other names: short protein forms P2232S.
Identifiers: ClinVar variation 3613227 (VCV003613227.2).

ClinVar aggregate classification (germline): Uncertain significance (1 of 4 stars; one submission).

gnomAD v4.1: 2 of 1,614,150 alleles (0.00012%); highest among the groups gnomAD compares: Non-Finnish European, 0.00017%; no homozygotes.

Submission:

Labcorp Genetics (formerly Invitae), Labcorp
Classification: Uncertain significance. Last evaluated: 2026-01-19. Review status: criteria provided, single submitter. Criteria: Invitae Variant Classification Sherloc (09022015). Collection method: clinical testing. Allele origin: germline.
Comment: This sequence change replaces proline, which is neutral and non-polar, with serine, which is neutral and polar, at codon 2232 of the COL7A1 protein (p.Pro2232Ser). This variant is not present in population databases (gnomAD no frequency). This variant has not been reported in the literature in individuals affected with COL7A1-related conditions. ClinVar contains an entry for this variant (Variation ID: 3613227). Invitae Evidence Modeling of protein sequence and biophysical properties (such as structural, functional, and spatial information, amino acid conservation, physicochemical variation, residue mobility, and thermodynamic stability) indicates that this missense variant is not expected to disrupt COL7A1 protein function with a negative predictive value of 95%. In summary, the available evidence is currently insufficient to determine the role of this variant in disease. Therefore, it has been classified as a Variant of Uncertain Significance.